The following is an entry in ClinVar:

NM_001080466.2(BTBD17):c.1038T>C (p.Ser346=)

Gene: BTBD17 (BTB domain containing 17; minus strand). Cytogenetic location: 17q25.1.
Variant type: single nucleotide variant.
Coding change: c.1038T>C on transcript NM_001080466.2 (MANE Select); coding-DNA position 1038, T replaced by C.
Protein change: p.Ser346=; no amino-acid change (serine 346 retained).
Molecular consequence: synonymous variant.
Genome position (GRCh38, 1-based): chr17:74,357,056, A>G on the plus strand (T>C on the coding strand, the complement: BTBD17 is on the minus strand). VCF-style: chr17-74357056-A-G. GRCh37 (hg19) VCF-style: chr17-72353195-A-G.
Identifiers: ClinVar variation 2648211 (VCV002648211.24), dbSNP rs767625485, ClinGen allele CA502030159.

ClinVar aggregate classification (germline): Likely benign (1 of 4 stars; one submission).

Submission:

CeGaT Center for Human Genetics Tuebingen
Classification: Likely benign. Last evaluated: 2026-08-01. Review status: criteria provided, single submitter. Criteria: CeGaT Center For Human Genetics Tuebingen Variant Classification Criteria Version 2. Collection method: clinical testing. Allele origin: germline. Affected: yes. Observed: 7 variant alleles.
Comment: BTBD17: PM2:Supporting, BP4, BP7